The following is an entry in ClinVar:

NM_001079866.2(BCS1L):c.498dup (p.Val167fs)

Gene: BCS1L (BCS1 ubiquinol-cytochrome c reductase complex chaperone; plus strand). Cytogenetic location: 2q35.
Variant type: Duplication.
Coding change: c.498dup on transcript NM_001079866.2 (MANE Select); coding-DNA position 498, one base duplicated (C; older notation c.498dupC).
Protein change: p.Val167fs; shifts the reading frame from valine 167.
Molecular consequence: frameshift variant. On other transcripts: 5 prime UTR variant (6), non-coding transcript variant (1).
Genome position (GRCh38, 1-based): chr2:218,661,796, C duplicated; the last of 2 consecutive C bases (chr2:218,661,795-218,661,796); duplicating either gives the same sequence. VCF-style (leftmost placement, unchanged base first): chr2-218661794-A-AC. GRCh37 (hg19) VCF-style: chr2-219526517-A-AC.
Other names: c.498dup, p.Val167fs (NM_001257342.2, NM_001257343.2, NM_001257344.2 and 10 more transcripts); c.138dup, p.Val47fs (NM_001318836.2, NM_001371451.1); c.-4dup (NM_001371452.1, NM_001371453.1, NM_001371454.1 and 3 more transcripts); short protein forms V167fs, V47fs.
Identifiers: ClinVar variation 4815342 (VCV004815342.1).

ClinVar aggregate classification (germline): Likely pathogenic (1 of 4 stars; one submission).

Conditions:
GRACILE syndrome (FLNMS). Also called: FELLMAN SYNDROME; FINNISH LETHAL NEONATAL METABOLIC SYNDROME. Identifiers: Orphanet 53693, MedGen C1864002, MONDO:0011308, OMIM 603358.

Submission:

Natera, Inc.
Classification: Likely pathogenic for GRACILE syndrome. Last evaluated: 2025-11-10. Review status: criteria provided, single submitter. Criteria: Natera Variant Classification Schema (03/2026). Collection method: clinical testing. Allele origin: germline.
Comment: The c.498dup variant in BCS1L is a frameshift variant predicted to shift the reading frame beginning at codon 167 and leads to a stop codon 9 codons downstream. This variant is expected to result in nonsense mediated decay, truncation, or a dysfunctional protein product. This variant is rare in the general population with a frequency below the threshold expected for the associated phenotype(s). Given the available evidence, this variant is classified as Likely Pathogenic.